The following is an entry in ClinVar:

ClinVar aggregate classification (germline): Uncertain significance (1 of 4 stars; one submission).

Conditions:
Cardiovascular phenotype. Identifiers: MedGen CN230736.
Hereditary cancer-predisposing syndrome. Also called: Neoplastic Syndromes, Hereditary; Tumor predisposition; Hereditary Cancer Syndrome; Hereditary neoplastic syndrome. Identifiers: Orphanet 140162, MedGen C0027672, MeSH D009386, MONDO:0015356.

Submission:

Ambry Genetics
Classification: Uncertain significance for Cardiovascular phenotype; Hereditary cancer-predisposing syndrome. Last evaluated: 2026-04-26. Review status: criteria provided, single submitter. Criteria: Ambry Variant Classification Scheme 2023. Collection method: clinical testing. Allele origin: germline.
Comment: The p.A123G variant (also known as c.368C>G), located in coding exon 4 of the LZTR1 gene, results from a C to G substitution at nucleotide position 368. The alanine at codon 123 is replaced by glycine, an amino acid with similar properties. This amino acid position is conserved. In addition, the in silico prediction for this alteration is inconclusive. Based on the available evidence, the clinical significance of this variant remains unclear.

NM_006767.4(LZTR1):c.368C>G (p.Ala123Gly)

Gene: LZTR1 (leucine zipper like post translational regulator 1; plus strand). Cytogenetic location: 22q11.21.
Variant type: single nucleotide variant.
Coding change: c.368C>G on transcript NM_006767.4 (MANE Select); coding-DNA position 368, C replaced by G.
Protein change: p.Ala123Gly; replaces alanine 123 with glycine.
Molecular consequence: missense variant.
Genome position (GRCh38, 1-based): chr22:20,987,551, C>G. VCF-style: chr22-20987551-C-G. GRCh37 (hg19) VCF-style: chr22-21341840-C-G.
Other names: short protein forms A123G.
Identifiers: ClinVar variation 4859340 (VCV004859340.1).